The following is an entry in ClinVar:

NM_000553.6(WRN):c.1426del (p.Lys477fs)

Gene: WRN (WRN RecQ like helicase; plus strand). Cytogenetic location: 8p12.
Variant type: Deletion.
Coding change: c.1426del on transcript NM_000553.6 (MANE Select); coding-DNA position 1426, one base deleted (C; older notation c.1426delC).
Protein change: p.Lys477fs; shifts the reading frame from lysine 477.
Molecular consequence: frameshift variant.
Genome position (GRCh38, 1-based): chr8:31,085,241, C deleted. VCF-style (leftmost placement, unchanged base first): chr8-31085240-GC-G. GRCh37 (hg19) VCF-style: chr8-30942756-GC-G.
Other names: short protein forms K477fs.
Identifiers: ClinVar variation 1927270 (VCV001927270.5), dbSNP rs2535919474, ClinGen allele CA2580078108.

ClinVar aggregate classification (germline): Pathogenic (1 of 4 stars; one submission).

Conditions:
Werner syndrome (WRN). Identifiers: Orphanet 902, MedGen C0043119, MONDO:0010196, OMIM 277700.

Submission:

Labcorp Genetics (formerly Invitae), Labcorp
Classification: Pathogenic for Werner syndrome. Last evaluated: 2021-12-19. Review status: criteria provided, single submitter. Criteria: Invitae Variant Classification Sherloc (09022015). Collection method: clinical testing. Allele origin: germline.
Comment: This sequence change creates a premature translational stop signal (p.Lys477Serfs*3) in the WRN gene. It is expected to result in an absent or disrupted protein product. Loss-of-function variants in WRN are known to be pathogenic (PMID: 16673358). For these reasons, this variant has been classified as Pathogenic. This variant has not been reported in the literature in individuals affected with WRN-related conditions. This variant is not present in population databases (gnomAD no frequency).

Literature cited by the submitters: PubMed 16673358.